The following is an entry in ClinVar:

NM_030962.4(SBF2):c.724G>T (p.Glu242Ter)

Gene: SBF2 (SET binding factor 2; minus strand). Cytogenetic location: 11p15.4.
Variant type: single nucleotide variant.
Coding change: c.724G>T on transcript NM_030962.4 (MANE Select); coding-DNA position 724, G replaced by T.
Protein change: p.Glu242Ter; replaces glutamic acid 242 with a stop codon.
Molecular consequence: nonsense.
Genome position (GRCh38, 1-based): chr11:10,002,585, C>A on the plus strand (G>T on the coding strand, the complement: SBF2 is on the minus strand). VCF-style: chr11-10002585-C-A. GRCh37 (hg19) VCF-style: chr11-10024132-C-A.
Other names: c.724G>T, p.Glu242Ter (NM_001386339.1, NM_001386342.1); c.760G>T, p.Glu254Ter (NM_001424318.1, NM_001425069.1, NM_001425070.1); short protein forms E254*, E242*.
Identifiers: ClinVar variation 2817938 (VCV002817938.3), dbSNP rs2496189670, ClinGen allele CA379643406.

ClinVar aggregate classification (germline): Pathogenic (1 of 4 stars; one submission).

Conditions:
Charcot-Marie-Tooth disease type 4. Also called: Charcot-Marie-Tooth disease, type IV; Charcot-Marie-Tooth, Type 4. Identifiers: Orphanet 64749, MedGen C4082197, MONDO:0018995.

Submission:

Labcorp Genetics (formerly Invitae), Labcorp
Classification: Pathogenic for Charcot-Marie-Tooth disease type 4. Last evaluated: 2023-02-18. Review status: criteria provided, single submitter. Criteria: Invitae Variant Classification Sherloc (09022015). Collection method: clinical testing. Allele origin: germline.
Comment: Algorithms developed to predict the effect of sequence changes on RNA splicing suggest that this variant may disrupt the consensus splice site. This sequence change creates a premature translational stop signal (p.Glu242*) in the SBF2 gene. It is expected to result in an absent or disrupted protein product. Loss-of-function variants in SBF2 are known to be pathogenic (PMID: 12687498, 25873783). This variant is not present in population databases (gnomAD no frequency). This variant has not been reported in the literature in individuals affected with SBF2-related conditions. For these reasons, this variant has been classified as Pathogenic.

Literature cited by the submitters: PubMed 12687498; PubMed 25873783.